The following is an entry in ClinVar:

ClinVar aggregate classification (germline): Pathogenic (1 of 4 stars; one submission).

Conditions:
Hyperekplexia 2 (HKPX2). Identifiers: Orphanet 3197, MedGen C3553291, MONDO:0013828, OMIM 614619.

Submission:

Labcorp Genetics (formerly Invitae), Labcorp
Classification: Pathogenic for Hyperekplexia 2. Last evaluated: 2024-10-04. Review status: criteria provided, single submitter. Criteria: Invitae Variant Classification Sherloc (09022015). Collection method: clinical testing. Allele origin: germline.
Comment: This sequence change creates a premature translational stop signal (p.Gln158Argfs*18) in the GLRB gene. It is expected to result in an absent or disrupted protein product. Loss-of-function variants in GLRB are known to be pathogenic (PMID: 23182654, 23184146). This variant is not present in population databases (gnomAD no frequency). This variant has not been reported in the literature in individuals affected with GLRB-related conditions. ClinVar contains an entry for this variant (Variation ID: 582806). Algorithms developed to predict the effect of sequence changes on RNA splicing suggest that this variant may disrupt the consensus splice site. For these reasons, this variant has been classified as Pathogenic.

Literature cited by the submitters: PubMed 23182654; PubMed 23184146.

NM_000824.5(GLRB):c.472del (p.Gln158fs)

Gene: GLRB (glycine receptor beta; plus strand). Cytogenetic location: 4q32.1.
Variant type: Deletion.
Coding change: c.472del on transcript NM_000824.5 (MANE Select); coding-DNA position 472, one base deleted (C; older notation c.472delC).
Protein change: p.Gln158fs; shifts the reading frame from glutamine 158.
Molecular consequence: frameshift variant.
Genome position (GRCh38, 1-based): chr4:157,136,643, C deleted; the last of 3 consecutive C bases (chr4:157,136,641-157,136,643); deleting any one gives the same sequence. VCF-style (leftmost placement, unchanged base first): chr4-157136640-AC-A. GRCh37 (hg19) VCF-style: chr4-158057792-AC-A.
Other names: c.472del, p.Gln158fs (NM_001166060.2, NM_001166061.2); short protein forms Q158fs.
Identifiers: ClinVar variation 582806 (VCV000582806.6), dbSNP rs1560962636, ClinGen allele CA891843189.